The following is an entry in ClinVar:

NM_000063.6(C2):c.2171C>T (p.Pro724Leu)

Gene: C2 (complement C2; plus strand). Cytogenetic location: 6p21.33.
Variant type: single nucleotide variant.
Coding change: c.2171C>T on transcript NM_000063.6 (MANE Select); coding-DNA position 2171, C replaced by T.
Protein change: p.Pro724Leu; replaces proline 724 with leucine.
Molecular consequence: missense variant.
Genome position (GRCh38, 1-based): chr6:31,945,269, C>T. VCF-style: chr6-31945269-C-T. GRCh37 (hg19) VCF-style: chr6-31913046-C-T.
Other names: c.1775C>T, p.Pro592Leu (NM_001145903.3); c.1529C>T, p.Pro510Leu (NM_001178063.3); c.1433C>T, p.Pro478Leu (NM_001282457.2); c.2084C>T, p.Pro695Leu (NM_001282458.2); short protein forms P695L, P478L, P510L, P592L, P724L.
Identifiers: ClinVar variation 1032161 (VCV001032161.11), dbSNP rs145050210, ClinGen allele CA3727900.

ClinVar aggregate classification (germline): Conflicting classifications of pathogenicity. Review status: criteria provided, conflicting classifications (1 of 4 stars). 4 submissions from 4 submitters: Uncertain significance (3); Likely benign (1). Last evaluated 2025-12-22.

Conditions:
Age related macular degeneration 14. Also called: MACULAR DEGENERATION, AGE-RELATED, 14, REDUCED RISK OF. Identifiers: MedGen C3809653, MONDO:0014207, OMIM 615489.
Complement component 2 deficiency (C2D). Also called: C2 deficiency. Identifiers: MedGen C0398756, MONDO:0009006, OMIM 217000.

Allele frequency attached by ClinVar (database versions not stated): gnomAD exomes 0.00007 and 0.00019; ExAC 0.00025; 1000 Genomes Project 0.00060; 1000 Genomes Project 30x 0.00062; gnomAD 0.00073 and 0.00081; TOPMed 0.00091; ESP Exome Variant Server 0.00130.
gnomAD v4.1: 223 of 1,612,916 alleles (0.014%); highest among the groups gnomAD compares: African/African-American, 0.24%; no homozygotes.

Submissions (4):

Labcorp Genetics (formerly Invitae), Labcorp
Classification: Likely benign. Last evaluated: 2025-12-22. Review status: criteria provided, single submitter. Criteria: Invitae Variant Classification Sherloc (09022015). Collection method: clinical testing. Allele origin: germline.

Women's Health and Genetics/Laboratory Corporation of America, LabCorp
Classification: Uncertain significance. Last evaluated: 2023-12-18. Review status: criteria provided, single submitter. Criteria: LabCorp Variant Classification Summary - May 2015. Collection method: clinical testing. Allele origin: germline.
Comment: Variant summary: C2 c.2171C>T (p.Pro724Leu) results in a non-conservative amino acid change located in the Serine proteases, trypsin domain (IPR001254) of the encoded protein sequence. Four of five in-silico tools predict a benign effect of the variant on protein function. The variant allele was found at a frequency of 0.00019 in 246554 control chromosomes (i.e., 48 alleles, no homozygotes; gnomAD v2.1.1 Exomes dataset). The available data on variant occurrences in the general population are insufficient to allow any conclusion about variant significance. c.2171C>T has been reported in the literature in at least one individual affected with severe hypertension and renal microangiopathy (e.g., Larsen_2018), however without strong evidence for causality. This report does not provide unequivocal conclusions about association of the variant with Age-Related Macular Degeneration. To our knowledge, no experimental evidence demonstrating an impact on protein function has been reported. The following publication was ascertained in the context of this evaluation (PMID: 29148534). Three submitters have reported clinical-significance assessments for this variant to ClinVar after 2014 with conflicting interpretations (VUS, n = 2; likely benign, n = 1). Based on the evidence outlined above, the variant was classified as uncertain significance.

Baylor Genetics
Classification: Uncertain significance for Complement component 2 deficiency. Last evaluated: 2018-04-02. Review status: criteria provided, single submitter. Criteria: ACMG Guidelines, 2015. Collection method: clinical testing. Allele origin: unknown. Affected: yes.
Comment: This variant was determined to be of uncertain significance according to ACMG Guidelines, 2015 [PMID:25741868].

Center for Genomics, Ann and Robert H. Lurie Children's Hospital of Chicago
Classification: Uncertain significance for Complement component 2 deficiency; Age related macular degeneration 14. Review status: criteria provided, single submitter. Criteria: ACMG Guidelines, 2015. Collection method: clinical testing. Allele origin: germline.
Comment: This variant has been reported in the literature in at least 1 individual with severe hypertension and renal microangiopathy (Larsen 2017 PMID:29148534). This variant is present in the Genome Aggregation Database (Highest reported MAF 0.2% (103/41386). This variant is present in ClinVar (Variation ID:1032161). Evolutionary conservation for this variant is limited or unavailable; computational predictive tools suggest that this variant may not impact the protein. In summary, data on this variant is insufficient for disease classification. Therefore, the clinical significance of this variant is uncertain.

Literature cited by the submitters: PubMed 29148534 (cited by Women's Health and Genetics/Laboratory Corporation of America, LabCorp).